The following is an entry in ClinVar:

NM_007294.4(BRCA1):c.5153-26A>G

Gene: BRCA1 (BRCA1 DNA repair associated; minus strand). Cytogenetic location: 17q21.31.
Variant type: single nucleotide variant.
Coding change: c.5153-26A>G on transcript NM_007294.4 (MANE Select); 26 bases into the intron before coding-DNA position 5153, A replaced by G.
Molecular consequence: intron variant.
Genome position (GRCh38, 1-based): chr17:43,063,399, T>C on the plus strand (A>G on the coding strand, the complement: BRCA1 is on the minus strand). VCF-style: chr17-43063399-T-C. GRCh37 (hg19) VCF-style: chr17-41215416-T-C.
Other names: IVS18-26A>G; c.1700-26A>G (NM_001408458.1, NM_001408461.1, NM_001408464.1 and 7 more transcripts); c.4262-26A>G (NM_001407967.1); c.4772-26A>G (NM_001407959.1); c.4886-26A>G (NM_001407931.1, NM_001407932.1, NM_001407928.1 and 4 more transcripts); c.5009-26A>G (NM_001407747.1, NM_001407745.1, NM_001407737.1 and 21 more transcripts); c.4769-26A>G (NM_001407962.1, NM_001407960.1); c.1340-26A>G (NM_001408512.1); and 73 more.
Identifiers: ClinVar variation 125786 (VCV000125786.20), dbSNP rs80358109, ClinGen allele CA003299.

ClinVar aggregate classification (germline): Conflicting classifications of pathogenicity. Review status: criteria provided, conflicting classifications (1 of 4 stars). 10 submissions from 10 submitters: Uncertain significance (6); Likely benign (1). 3 of the submissions do not count toward it. Last evaluated 2026-02-10.

Conditions:
Inherited ovarian cancer (without breast cancer).
Breast-ovarian cancer, familial, susceptibility to, 1 (BROVCA1). Also called: BRCA1 Hereditary Breast and Ovarian Cancer; OVARIAN CANCER, SUSCEPTIBILITY TO. Identifiers: Orphanet 145, MedGen C2676676, MONDO:0011450, OMIM 604370. Disease mechanism: loss of function.
Pancreatic cancer, susceptibility to, 4. Identifiers: Orphanet 1333, MedGen C3280442, MONDO:0013685, OMIM 614320.
Fanconi anemia, complementation group S (FANCS). Identifiers: MedGen C4554406, MONDO:0054748, OMIM 617883.
Hereditary cancer-predisposing syndrome. Also called: Tumor predisposition; Hereditary neoplastic syndrome; Hereditary Cancer Syndrome; Neoplastic Syndromes, Hereditary. Identifiers: Orphanet 140162, MedGen C0027672, MeSH D009386, MONDO:0015356.
Hereditary breast ovarian cancer syndrome. Also called: Hereditary breast and/or ovarian cancer syndrome; Breast and ovarian cancer; Hereditary breast and ovarian cancer syndrome; Hereditary breast and ovarian cancer; Hereditary breast and ovarian cancer syndrome (HBOC); BRCA1- and BRCA2-Associated Hereditary Breast and Ovarian Cancer. Identifiers: Orphanet 145, MedGen C0677776, MeSH D061325, MONDO:0003582. Disease mechanism: loss of function.
Familial cancer of breast. Also called: Hereditary breast cancer; hereditary breast carcinoma; BREAST CANCER, FAMILIAL. Identifiers: Orphanet 227535, MedGen C0346153, MONDO:0016419, OMIM 114480. Disease mechanism: loss of function.

Allele frequency attached by ClinVar (database versions not stated): gnomAD exomes 0.00001.
gnomAD v4.1: 8 of 1,594,170 alleles (0.0005%); highest among the groups gnomAD compares: Middle Eastern, 0.017%; no homozygotes.

Submissions (11):

German Consortium for Hereditary Breast and Ovarian Cancer, University Hospital Cologne
Classification: Likely benign for Hereditary breast ovarian cancer syndrome. Last evaluated: 2026-02-10. Review status: criteria provided, single submitter. Criteria: ClinGen BRCA1 V1.1.0. Collection method: curation. Allele origin: germline.
Comment: This classification follows the ClinGen ENIGMA BRCA1 v1.1.0 classification scheme; in Table 9 VCEP BS3

Genomics and Molecular Medicine Service, East Genomic Laboratory Hub, NHS Genomic Medicine Service
Classification: Uncertain significance for Inherited ovarian cancer (without breast cancer). Last evaluated: 2026-02-04. Review status: criteria provided, single submitter. Criteria: ACGS Best Practice Guidelines for Variant Classification in Rare Disease 2020. Collection method: clinical testing. Allele origin: germline. Affected: yes.
Comment: PS4,PM2_Supporting,PP1,BS2_Strong

Labcorp Genetics (formerly Invitae), Labcorp
Classification: Uncertain significance for Hereditary breast ovarian cancer syndrome. Last evaluated: 2025-07-19. Review status: criteria provided, single submitter. Criteria: Invitae Variant Classification Sherloc (09022015). Collection method: clinical testing. Allele origin: germline.
Comment: This sequence change falls in intron 17 of the BRCA1 gene. It does not directly change the encoded amino acid sequence of the BRCA1 protein. RNA analysis indicates that this variant induces altered splicing and may result in an absent or altered protein product. This variant is not present in population databases (gnomAD no frequency). This variant has been observed in individual(s) with breast cancer (PMID: 16544996, 31228304, 34981296). ClinVar contains an entry for this variant (Variation ID: 125786). Studies have shown that this variant results in skipping of exon 18, and produces a non-functional protein and/or introduces a premature termination codon (PMID: 32123317; internal data). In summary, the available evidence is currently insufficient to determine the role of this variant in disease. Therefore, it has been classified as a Variant of Uncertain Significance.

Fulgent Genetics
Classification: Uncertain significance for Breast-ovarian cancer, familial, susceptibility to, 1; Pancreatic cancer, susceptibility to, 4; Fanconi anemia, complementation group S. Last evaluated: 2024-03-01. Review status: criteria provided, single submitter. Criteria: ACMG Guidelines, 2015. Collection method: clinical testing. Allele origin: germline.

MGZ Medical Genetics Center
Classification: Uncertain significance for Familial cancer of breast. Last evaluated: 2024-02-09. Review status: criteria provided, single submitter. Criteria: CSpec BRCA1/2ACMG Rules Specifications V1.1.0. Collection method: clinical testing. Allele origin: germline. Affected: yes.
Comment: ACMG codes applied following ENIGMA VCEP rules: BS3, PP3, PS1_MOD, PM2_SUP

Ambry Genetics
Classification: Uncertain significance for Hereditary cancer-predisposing syndrome. Last evaluated: 2020-10-07. Review status: criteria provided, single submitter. Criteria: Ambry Variant Classification Scheme 2023. Collection method: clinical testing. Allele origin: germline.
Comment: The c.5153-26A>G intronic variant results from an A to G substitution 26 nucleotides upstream from coding exon 17 in the BRCA1 gene. This nucleotide position is highly conserved in available vertebrate species. This alteration is at a branch point which is a pre-mRNA feature that is important for correct splicing (Leman R et al. BMC Genomics, 2020 Jan;21:86; Canson D et al. Hum. Mutat., 2020 Jul). This alteration has been identified in several patients with breast and/or ovarian cancer (Bisgin A et al. Breast J., 2019 09;25:1029-1033; Tabarestani S et al. Int. J. Cancer Manag., 2017 10(12):e60392; CanVig Data-ClinVar). This variant has also been identified in the homozygous state in an adult with normal chromosome breakage studies (Personal communication). In silico splice site analysis for this alteration is inconclusive. RNA studies have demonstrated that this alteration results in a substantial but incomplete splice defect; however the clinical impact of this abnormal splicing is unknown at this time (Ambry internal data; CanVIG Data-ClinVar, Personal communication; Wai HA et al. Genet. Med., 2020 Jun;22:1005-1014; Leman R et al. BMC Genomics, 2020 Jan;21:86). This nucleotide substitution is functional in a high throughput genome editing haploid cell survival assay that can measure both protein and RNA effects (Findlay GM et al. Nature, 2018 10;562:217-222). Since supporting evidence is conflicting at this time, the clinical significance of this alteration remains unclear.

Cancer Variant Interpretation Group UK, Institute of Cancer Research, London
Classification: Uncertain significance for Hereditary Breast and Ovarian Cancer. Last evaluated: 2020-02-17. Review status: criteria provided, single submitter. Criteria: ACMG Guidelines, 2015. Collection method: clinical testing. Allele origin: germline. Affected: yes. Observed: 7 variant alleles.
Comment: Data included in classification: Case control comparison of UK familial cases against ethnically matched population data (7/25,773 in familial UK cases against 0/23,509 NFE controls from GnomAD genome sequencing and UK 100,000 genome project pexact= 0.016) (PS4_strong). 1/8 segregation in one large UK family (PP1_sup). Additional studies inc. RNA and skin biopsy were sought from this patient could not be attained. (BS2_strong). Absent from the remainder of the GnomAD population (PM2_sup). Additional data (not included in classification): In silico analysis supports aberration of splicing compared to WT due to experimentally-proven intronic branch site. Functional evidence conflicting: Mini-gene assay: suggestive of incomplete skipping of exon 19. Published RNA analyses: estimated that transcripts lacking exon 19 (41bp) account for 30-40% of all BRCA1 transcripts in blood, inferring that 10-20% of transcripts expressed from the variant allele are of full length. See also: Steffensen et al Eur J Hum Genet 2014, Rosenthal ET et al, Clin Genet 2015, Mercer, Genome Res 2015. Patient-derived RNA assay from UK diagnostic labs demonstrated the variant to cause out of frame deletion of exon 19. This results in a PTC in exon 20. Estimation that transcripts lacking exon 19 account for 30-40% of all BRCA1 transcripts in blood. Haploid yeast saturation genome editing assay shown to be functional (Findlay et al, 2018).

Department of Medical and Surgical Sciences, University of Bologna
Classification: Likely benign for Breast-ovarian cancer, familial, susceptibility to, 1. Last evaluated: 2023-09-01. Review status: no assertion criteria provided. Collection method: clinical testing. Allele origin: germline. Affected: yes. Not counted in ClinVar's aggregate classification.
Comment: PM2(Supporting)+PP3(Supporting)+BS3(Strong) according to ACMG/AMP classification guidelines specified for BRCA1 & BRCA2 (Classification Criteria V1.0.0 2023-09-08) (PMID: 38160042)

Counsyl
Classification: Likely benign for Breast-ovarian cancer, familial, susceptibility to, 1. Last evaluated: 2017-01-18. Review status: no assertion criteria provided. Collection method: clinical testing. Allele origin: unknown. Not counted in ClinVar's aggregate classification.

Breast Cancer Information Core (BIC) (BRCA1)
Classification: Uncertain significance for Breast-ovarian cancer, familial 1. Last evaluated: 2001-02-15. Review status: no assertion criteria provided. Collection method: clinical testing. Allele origin: germline. Affected: yes. Observed: 1 variant allele. Not counted in ClinVar's aggregate classification.

Brotman Baty Institute, University of Washington
No classification provided (evidence only). Condition: Breast-ovarian cancer, familial 1. Review status: no classification provided. Collection method: in vitro. Allele origin: not applicable. Functional consequence: functionally_normal. Not counted in ClinVar's aggregate classification.
ClinVar note: "not provided" was previously submitted as the classification for the variant. However, the classification appeared to be based only on an observation of functional data so it was converted to no classification on 2025-07-30.

Literature cited by the submitters: PubMed 16544996 (cited by Labcorp Genetics (formerly Invitae), Labcorp and Counsyl); PubMed 31228304 (cited by Labcorp Genetics (formerly Invitae), Labcorp and Ambry Genetics); PubMed 34981296 (cited by Labcorp Genetics (formerly Invitae), Labcorp); PubMed 32123317 (cited by Labcorp Genetics (formerly Invitae), Labcorp and Ambry Genetics); PubMed 24667779 (cited by Ambry Genetics); PubMed 25561518 (cited by Ambry Genetics); PubMed 25639900 (cited by Ambry Genetics); PubMed 30209399 (cited by Ambry Genetics); PubMed 31992191 (cited by Ambry Genetics); PubMed 32623769 (cited by Ambry Genetics).